The following is an entry in ClinVar:

ClinVar aggregate classification (germline): Pathogenic/Likely pathogenic. Review status: criteria provided, multiple submitters, no conflicts (2 of 4 stars). 5 submissions from 5 submitters: Pathogenic (4); Likely pathogenic (1). Last evaluated 2024-03-28.

Conditions:
Hereditary cancer-predisposing syndrome. Also called: Hereditary Cancer Syndrome; Hereditary neoplastic syndrome; Tumor predisposition; Neoplastic Syndromes, Hereditary. Identifiers: Orphanet 140162, MedGen C0027672, MeSH D009386, MONDO:0015356.
Familial multiple polyposis syndrome (FAP). Also called: Familial Adenomatous Polyposis (FAP); Familial adenomatous polyposis; Familial intestinal polyposis; Familial polyposis; Classic familial adenomatous polyposis. Identifiers: Orphanet 733, MedGen C0032580, MONDO:0021055. Disease mechanism: loss of function.
Familial adenomatous polyposis 1 (FAP1). Also called: FAMILIAL ADENOMATOUS POLYPOSIS 1, ATTENUATED; POLYPOSIS, ADENOMATOUS INTESTINAL. Identifiers: MedGen C2713442, MONDO:0021056, OMIM 175100. Disease mechanism: loss of function.

Submissions (5):

Labcorp Genetics (formerly Invitae), Labcorp
Classification: Pathogenic for Familial adenomatous polyposis 1. Last evaluated: 2024-03-28. Review status: criteria provided, single submitter. Criteria: Invitae Variant Classification Sherloc (09022015). Collection method: clinical testing. Allele origin: germline.
Comment: This sequence change creates a premature translational stop signal (p.Gln1625Hisfs*25) in the APC gene. While this is not anticipated to result in nonsense mediated decay, it is expected to disrupt the last 1219 amino acid(s) of the APC protein. This variant is not present in population databases (gnomAD no frequency). This premature translational stop signal has been observed in individual(s) with clinical features of APC-related conditions (PMID: 26681312). ClinVar contains an entry for this variant (Variation ID: 127299). This variant is expected to disrupt the EB1 and HDLG binding sites, which mediate interactions with the cytoskeleton (PMID: 15311282, 17293347). While functional studies have not been performed to directly test the effect on APC protein function, this suggests that disruption of the C-terminal portion of the protein is functionally important. A different truncation (p.Tyr2645Lysfs*14) that lies downstream of this variant has been determined to be pathogenic (PMID: 9824584, 1316610, 27081525, 8381579, 22135120, Invitae). This suggests that deletion of this region of the APC protein is causative of disease. For these reasons, this variant has been classified as Pathogenic.

Myriad Genetics, Inc.
Classification: Pathogenic for Familial adenomatous polyposis 1. Last evaluated: 2023-05-12. Review status: criteria provided, single submitter. Criteria: Myriad Autosomal Dominant, Autosomal Recessive and X-Linked Classification Criteria (2023). Collection method: clinical testing. Allele origin: unknown.
Comment: This variant is considered pathogenic. This variant creates a frameshift predicted to result in premature protein truncation.

Women's Health and Genetics/Laboratory Corporation of America, LabCorp
Classification: Likely pathogenic for Familial multiple polyposis syndrome. Last evaluated: 2022-03-24. Review status: criteria provided, single submitter. Criteria: LabCorp Variant Classification Summary - May 2015. Collection method: clinical testing. Allele origin: germline.
Comment: Variant summary: APC c.4875delA (p.Gln1625HisfsX25) results in a premature termination codon, predicted to cause a truncation of the encoded protein or absence of the protein due to nonsense mediated decay, which are commonly known mechanisms for disease. Truncations downstream of this position have been classified as pathogenic by our laboratory. The variant was absent in 251178 control chromosomes (gnomAD). c.4875delA has been reported in the literature in at least one individual affected with Breast cancer and Colon polyps (Susswein_2016). These data indicate that the variant may be associated with disease. To our knowledge, no experimental evidence demonstrating an impact on protein function has been reported. One ClinVar submitter (evaluation after 2014) cites the variant as pathogenic. Based on the evidence outlined above, the variant was classified as likely pathogenic.

Ambry Genetics
Classification: Pathogenic for Hereditary cancer-predisposing syndrome. Last evaluated: 2020-08-25. Review status: criteria provided, single submitter. Criteria: Ambry Variant Classification Scheme 2023. Collection method: clinical testing. Allele origin: germline.
Comment: The c.4875delA pathogenic mutation, located in coding exon 15 of the APC gene, results from a deletion of one nucleotide at nucleotide position 4875, causing a translational frameshift with a predicted alternate stop codon (p.Q1625Hfs*25). This alteration occurs at the 3' terminus of theAPC gene and is not expected to trigger nonsense-mediated mRNA decay. However, premature stop codons are typically deleterious in nature, the impacted region is critical for protein function and a significant portion of the protein is affected (Ambry internal data). This alteration was identified in 1/10030 consecutive patients referred for evaluation by an NGS hereditary cancer panel (Susswein LR et al. Genet. Med., 2016 08;18:823-32). Based on the supporting evidence, this alteration is interpreted as a disease-causing mutation.

GeneDx
Classification: Pathogenic. Last evaluated: 2018-01-10. Review status: criteria provided, single submitter. Criteria: GeneDx Variant Classification (06012015). Collection method: clinical testing. Allele origin: germline. Affected: yes.
Comment: This deletion of one nucleotide in APC is denoted c.4875delA at the cDNA level and p.Gln1625HisfsX25 (Q1625HfsX25) at the protein level. The normal sequence, with the base that is deleted in brackets, is TGCA[delA]CCCCA. The deletion causes a frameshift which changes a Glutamine to a Histidine at codon 1625, and creates a premature stop codon at position 25 of the new reading frame. This variant is predicted to cause loss of normal protein function through either protein truncation or nonsense-mediated mRNA decay. APC c.4875delA has been observed in at least one individual reporting a personal history of colon polyps (Susswein 2015). We consider this variant to be pathogenic.

Literature cited by the submitters: PubMed 26681312 (cited by 3 submitters); PubMed 15311282 (cited by Labcorp Genetics (formerly Invitae), Labcorp); PubMed 17293347 (cited by Labcorp Genetics (formerly Invitae), Labcorp); PubMed 9824584 (cited by Labcorp Genetics (formerly Invitae), Labcorp); PubMed 1316610 (cited by Labcorp Genetics (formerly Invitae), Labcorp); PubMed 27081525 (cited by Labcorp Genetics (formerly Invitae), Labcorp); PubMed 8381579 (cited by Labcorp Genetics (formerly Invitae), Labcorp); PubMed 22135120 (cited by Labcorp Genetics (formerly Invitae), Labcorp).

NM_000038.6(APC):c.4875del (p.Gln1625fs)

Gene: APC (APC regulator of Wnt signaling pathway; plus strand). Cytogenetic location: 5q22.2.
Variant type: Deletion.
Coding change: c.4875del on transcript NM_000038.6 (MANE Select); coding-DNA position 4875, one base deleted (A; older notation c.4875delA).
Protein change: p.Gln1625fs; shifts the reading frame from glutamine 1625.
Molecular consequence: frameshift variant.
Genome position (GRCh38, 1-based): chr5:112,840,469, A deleted; the last of 2 consecutive A bases (chr5:112,840,468-112,840,469); deleting either gives the same sequence. VCF-style (leftmost placement, unchanged base first): chr5-112840467-CA-C. GRCh37 (hg19) VCF-style: chr5-112176164-CA-C.
Other names: c.4875del, p.Gln1625fs (NM_001127510.3, NM_001354895.2); c.4821del, p.Gln1607fs (NM_001127511.3); c.4929del, p.Gln1643fs (NM_001354896.2); c.4905del, p.Gln1635fs (NM_001354897.2); c.4800del, p.Gln1600fs (NM_001354898.2); c.4791del, p.Gln1597fs (NM_001354899.2); c.4752del, p.Gln1584fs (NM_001354900.2); c.4698del, p.Gln1566fs (NM_001354901.2); and 5 more; short protein forms Q1342fs, Q1465fs, Q1643fs, Q1524fs, Q1584fs, Q1499fs, Q1566fs, Q1597fs.
Identifiers: ClinVar variation 127299 (VCV000127299.10), dbSNP rs587779794, ClinGen allele CA009772.
Genomic context (GRCh38, chr5:112,840,467, plus strand): 5'-GTGGCAAGGAAACCAAGTCAGCTGCCTGTGTACAAACTTCTACCATCACAAAACAGGTTG[CA>C]ACCCCAAAAGCATGTTAGTTTTACACCGGGGGATGATATGCCACGGGTGTATTGTGTTGA-3'